The following is an entry in ClinVar:

NM_058246.4(DNAJB6):c.713_730dup (p.Leu238_Met243dup)

Gene: DNAJB6 (DnaJ heat shock protein family (Hsp40) member B6; plus strand). Cytogenetic location: 7q36.3.
Variant type: Duplication.
Coding change: c.713_730dup on transcript NM_058246.4 (MANE Select); coding-DNA positions 713 to 730, 18 bases duplicated (TCGCTGAGGAGCGCATGC).
Protein change: p.Leu238_Met243dup.
Molecular consequence: inframe insertion.
Genome position (GRCh38, 1-based): chr7:157,409,816-157,409,833, TCGCTGAGGAGCGCATGC duplicated; duplicating any 18 consecutive bases within chr7:157,409,815-157,409,833 gives the same sequence; the c. name uses the placement nearest the transcript's 3' end. VCF-style (leftmost placement, unchanged base first): chr7-157409814-C-CCTCGCTGAGGAGCGCATG. GRCh37 (hg19) VCF-style: chr7-157202508-C-CCTCGCTGAGGAGCGCATG.
Other names: c.368_385dup, p.Leu123_Met128dup (NM_001363676.1).
Identifiers: ClinVar variation 859821 (VCV000859821.10), dbSNP rs1795907158, ClinGen allele CA916082968.

ClinVar aggregate classification (germline): Uncertain significance (1 of 4 stars; one submission).

Conditions:
Autosomal dominant limb-girdle muscular dystrophy type 1D (DNAJB6) (LGMDD1). Also called: MUSCULAR DYSTROPHY, LIMB-GIRDLE, TYPE 1D; Autosomal dominant limb-girdle muscular dystrophy type 1D; Muscular dystrophy, limb-girdle, autosomal dominant 1; MUSCULAR DYSTROPHY, AUTOSOMAL DOMINANT, WITH RIMMED VACUOLES. Identifiers: Orphanet 34516, MedGen C4721885, MONDO:0021018, OMIM 603511.

Submission:

Labcorp Genetics (formerly Invitae), Labcorp
Classification: Uncertain significance for Autosomal dominant limb-girdle muscular dystrophy type 1D (DNAJB6). Last evaluated: 2019-02-14. Review status: criteria provided, single submitter. Criteria: Invitae Variant Classification Sherloc (09022015). Collection method: clinical testing. Allele origin: germline.
Comment: Experimental studies and prediction algorithms are not available for this variant, and the functional significance of the affected amino acids is currently unknown. This variant has not been reported in the literature in individuals with DNAJB6-related conditions. The frequency data for this variant in the population databases is considered unreliable, as metrics indicate insufficient coverage at this position in the ExAC database. This variant, c.713_730dup, results in the insertion of 6 amino acid(s) to the DNAJB6 protein (p.Leu238_Met243dup), but otherwise preserves the integrity of the reading frame. In summary, the available evidence is currently insufficient to determine the role of this variant in disease. Therefore, it has been classified as a Variant of Uncertain Significance.